The following is an entry in ClinVar:

NM_001042492.3(NF1):c.5269-28_5269-16delinsTANNNNNNNNNNNNAT

Gene: NF1 (neurofibromin 1; plus strand). Cytogenetic location: 17q11.2.
Variant type: Indel.
Coding change: c.5269-28_5269-16delinsTANNNNNNNNNNNNAT on transcript NM_001042492.3 (MANE Select); 28 bases into the intron before coding-DNA position 5269 through 16 bases into the intron before coding-DNA position 5269, ACTTCACCCCGTC replaced by TANNNNNNNNNNNNAT.
Molecular consequence: intron variant.
Genome position (GRCh38, 1-based): chr17:31,327,471-31,327,483, ACTTCACCCCGTC replaced by TANNNNNNNNNNNNAT. VCF-style: chr17-31327471-ACTTCACCCCGTC-TANNNNNNNNNNNNAT. GRCh37 (hg19) VCF-style: chr17-29654489-ACTTCACCCCGTC-TANNNNNNNNNNNNAT.
Other names: c.5206-28_5206-16delinsTANNNNNNNNNNNNAT (NM_000267.4).
Identifiers: ClinVar variation 4716654 (VCV004716654.1).

ClinVar aggregate classification (germline): Uncertain significance (1 of 4 stars; one submission).

Conditions:
Neurofibromatosis, type 1 (NF1). Also called: NEUROFIBROMATOSIS, TYPE I, SOMATIC; VON RECKLINGHAUSEN DISEASE; Peripheral type neurofibromatosis; Neurofibromatosis, type I. Identifiers: Orphanet 636, MedGen C0027831, MONDO:0018975, OMIM 162200. Disease mechanism: loss of function.

Submission:

Labcorp Genetics (formerly Invitae), Labcorp
Classification: Uncertain significance for Neurofibromatosis, type 1. Last evaluated: 2025-04-02. Review status: criteria provided, single submitter. Criteria: Invitae Variant Classification Sherloc (09022015). Collection method: clinical testing. Allele origin: germline.
Comment: This sequence change falls in intron 36 of the NF1 gene. It does not directly change the encoded amino acid sequence of the NF1 protein. This variant is not present in population databases (gnomAD no frequency). This variant has not been reported in the literature in individuals affected with NF1-related conditions. Experimental studies and prediction algorithms are not available or were not evaluated, and the functional significance of this variant is currently unknown. In summary, the available evidence is currently insufficient to determine the role of this variant in disease. Therefore, it has been classified as a Variant of Uncertain Significance.